The following is an entry in ClinVar:

NM_000271.5(NPC1):c.24dup (p.Gly9fs)

Gene: NPC1 (NPC intracellular cholesterol transporter 1; minus strand). Cytogenetic location: 18q11.2.
Variant type: Duplication.
Coding change: c.24dup on transcript NM_000271.5 (MANE Select); coding-DNA position 24, one base duplicated (T; older notation c.24dupT).
Protein change: p.Gly9fs; shifts the reading frame from glycine 9.
Molecular consequence: frameshift variant.
Genome position (GRCh38, 1-based): chr18:23,586,320, A duplicated on the plus strand (T on the coding strand, the reverse complement: NPC1 is on the minus strand); the first of 2 consecutive A bases (chr18:23,586,320-23,586,321); duplicating either gives the same sequence. VCF-style (leftmost placement, unchanged base first): chr18-23586319-C-CA. GRCh37 (hg19) VCF-style: chr18-21166283-C-CA.
Other names: short protein forms G9fs.
Identifiers: ClinVar variation 1456903 (VCV001456903.6), dbSNP rs2145603843, ClinGen allele CA2573155188.
Genomic context (GRCh38, chr18:23,586,319, plus strand): 5'-GGCGTCCCGGTGGCCGGCGACCGCTCACCTGCGCTGGACACAGTAGCAGCAGGAGGAGGC[C>CA]AAGGGCCAGGCCGCGAGCGGTCATGCTGTGGCCGCGCAAGGCTGCTGACGCCGGCGGCGT-3'

ClinVar aggregate classification (germline): Pathogenic (1 of 4 stars; one submission).

Conditions:
Niemann-Pick disease, type C1. Also called: NIEMANN-PICK DISEASE, VARIANT TYPE C1; NIEMANN-PICK DISEASE WITHOUT SPHINGOMYELINASE DEFICIENCY; NIEMANN-PICK DISEASE, CHRONIC NEURONOPATHIC FORM; NEUROVISCERAL STORAGE DISEASE WITH VERTICAL SUPRANUCLEAR OPHTHALMOPLEGIA; NIEMANN-PICK DISEASE WITH CHOLESTEROL ESTERIFICATION BLOCK. Identifiers: Orphanet 646, MedGen C3179455, MONDO:0009757, OMIM 257220.

Submission:

Labcorp Genetics (formerly Invitae), Labcorp
Classification: Pathogenic for Niemann-Pick disease, type C1. Last evaluated: 2022-01-26. Review status: criteria provided, single submitter. Criteria: Invitae Variant Classification Sherloc (09022015). Collection method: clinical testing. Allele origin: germline.
Comment: This sequence change creates a premature translational stop signal (p.Gly9Trpfs*49) in the NPC1 gene. It is expected to result in an absent or disrupted protein product. Loss-of-function variants in NPC1 are known to be pathogenic (PMID: 9211850). This variant is not present in population databases (gnomAD no frequency). This variant has not been reported in the literature in individuals affected with NPC1-related conditions. For these reasons, this variant has been classified as Pathogenic.

Literature cited by the submitters: PubMed 9211850.